The following is an entry in ClinVar:

ClinVar aggregate classification (germline): Likely pathogenic. Review status: criteria provided, multiple submitters, no conflicts (2 of 4 stars). 3 submissions from 3 submitters: Likely pathogenic (3). Last evaluated 2025-06-17.

Conditions:
Joubert syndrome and related disorders. Identifiers: Orphanet 140874, MedGen C5679612, MONDO:0015369.
Joubert syndrome. Also called: JOUBERT-BOLTSHAUSER SYNDROME; Familial aplasia of the vermis. Identifiers: Orphanet 475, MedGen C5979921, MONDO:0018772.
Meckel-Gruber syndrome. Also called: DYSENCEPHALIA SPLANCHNOCYSTICA; GRUBER SYNDROME; Dysencephalia splachnocystica. Identifiers: Orphanet 564, MedGen C0265215, MONDO:0018921.
CC2D2A-related disorder. Also called: CC2D2A-related condition; CC2D2A-related disorders. Identifiers: MedGen CN239313.

Allele frequency attached by ClinVar (database versions not stated): gnomAD exomes below 0.00001; TOPMed below 0.00001; gnomAD 0.00001.
gnomAD v4.1: 4 of 1,610,932 alleles (0.00025%); highest among the groups gnomAD compares: Non-Finnish European, 0.00034%; no homozygotes.

Submissions (3):

Myriad Genetics, Inc.
Classification: Likely pathogenic for Joubert syndrome and related disorders. Last evaluated: 2025-06-17. Review status: criteria provided, single submitter. Criteria: Myriad Autosomal Dominant, Autosomal Recessive and X-Linked Classification Criteria (2023). Collection method: clinical testing. Allele origin: unknown.
Comment: NM_001080522.2(CC2D2A):c.1608-2A>G is a variant in a canonical splice site classified as likely pathogenic in the context of CC2D2A-related disorders. c.1608-2A>G has not been observed in cases with relevant disease. Relevant functional assessments of this variant are not available in the literature. c.1608-2A>G has not been observed in referenced population frequency databases. In summary, NM_001080522.2(CC2D2A):c.1608-2A>G is a variant in a canonical splice site in a gene where loss of function is a known mechanism of disease and is predicted to disrupt protein function. Please note: this variant was assessed in the context of healthy population screening.

Labcorp Genetics (formerly Invitae), Labcorp
Classification: Likely pathogenic for Joubert syndrome; Meckel-Gruber syndrome. Last evaluated: 2023-08-25. Review status: criteria provided, single submitter. Criteria: Invitae Variant Classification Sherloc (09022015). Collection method: clinical testing. Allele origin: germline.
Comment: In summary, the currently available evidence indicates that the variant is pathogenic, but additional data are needed to prove that conclusively. Therefore, this variant has been classified as Likely Pathogenic. Algorithms developed to predict the effect of sequence changes on RNA splicing suggest that this variant may disrupt the consensus splice site. This variant has not been reported in the literature in individuals affected with CC2D2A-related conditions. This variant is not present in population databases (gnomAD no frequency). This sequence change affects an acceptor splice site in intron 15 of the CC2D2A gene. It is expected to disrupt RNA splicing. Variants that disrupt the donor or acceptor splice site typically lead to a loss of protein function (PMID: 16199547), and loss-of-function variants in CC2D2A are known to be pathogenic (PMID: 19777577).

Blueprint Genetics
Classification: Likely pathogenic for CC2D2A-related disorders. Last evaluated: 2022-09-23. Review status: criteria provided, single submitter. Criteria: ACMG Guidelines, 2015. Collection method: clinical testing. Allele origin: germline. Affected: yes. Observed: 1 variant allele.

Literature cited by the submitters: PubMed 16199547 (cited by Labcorp Genetics (formerly Invitae), Labcorp); PubMed 19777577 (cited by Labcorp Genetics (formerly Invitae), Labcorp).

NM_001378615.1(CC2D2A):c.1608-2A>G

Genes: CC2D2A (coiled-coil and C2 domain containing 2A; plus strand), FBXL5 (F-box and leucine rich repeat protein 5; minus strand). Cytogenetic location: 4p15.32.
Variant type: single nucleotide variant.
Coding change: c.1608-2A>G on transcript NM_001378615.1 (MANE Select); the canonical splice acceptor site of the intron before coding-DNA position 1608, A replaced by G.
Molecular consequence: splice acceptor variant.
Genome position (GRCh38, 1-based): chr4:15,536,918, A>G. VCF-style: chr4-15536918-A-G. GRCh37 (hg19) VCF-style: chr4-15538541-A-G.
Other names: c.1608-2A>G (NM_001080522.2); c.1461-2A>G (NM_001378617.1).
Identifiers: ClinVar variation 2926695 (VCV002926695.5), dbSNP rs1419232670, ClinGen allele CA356411151.